The following is an entry in ClinVar:

ClinVar aggregate classification (germline): Uncertain significance. Review status: criteria provided, multiple submitters, no conflicts (2 of 4 stars). 2 submissions from 2 submitters: Uncertain significance (2). Last evaluated 2023-12-18.

Conditions:
Cardiovascular phenotype. Identifiers: MedGen CN230736.
Hypertrophic cardiomyopathy. Also called: HYPERTROPHIC MYOCARDIOPATHY. Identifiers: Orphanet 217569, MedGen C0007194, MeSH D002312, MONDO:0005045, HP:0001639.

Submissions (2):

All of Us Research Program, National Institutes of Health
Classification: Uncertain significance for Hypertrophic cardiomyopathy. Last evaluated: 2023-12-18. Review status: criteria provided, single submitter. Criteria: ACMG Guidelines, 2015. Collection method: clinical testing. Allele origin: germline. Inheritance: Autosomal dominant inheritance. Observed: 1 variant allele, 1 heterozygote.
Comment: This missense variant replaces valine with methionine at codon 44 of the TPM1 protein. Computational prediction suggests that this variant may not impact protein structure and function (internally defined REVEL score threshold <= 0.5, PMID: 27666373). To our knowledge, functional studies have not been reported for this variant. This variant has been reported in an individual affected with hypertrophic cardiomyopathy (PMID: PMID: 33495597). This variant has not been identified in the general population by the Genome Aggregation Database (gnomAD). The available evidence is insufficient to determine the role of this variant in disease conclusively. Therefore, this variant is classified as a Variant of Uncertain Significance.

This study involves interpretation of variants in research participants for the purpose of population health screening. Participant phenotype was not available at the time of variant classification. Additional details can be found in publication PMID: 35346344, PMCID: PMC8962531

Ambry Genetics
Classification: Uncertain significance for Cardiovascular phenotype. Last evaluated: 2019-07-04. Review status: criteria provided, single submitter. Criteria: Ambry Variant Classification Scheme 2023. Collection method: clinical testing. Allele origin: germline.
Comment: The p.V44M variant (also known as c.130G>A), located in coding exon 2 of the TPM1 gene, results from a G to A substitution at nucleotide position 130. The valine at codon 44 is replaced by methionine, an amino acid with highly similar properties. This amino acid position is well conserved in available vertebrate species. In addition, the in silico prediction for this alteration is inconclusive. Since supporting evidence is limited at this time, the clinical significance of this alteration remains unclear.

Literature cited by the submitters: PubMed 33495597 (cited by All of Us Research Program, National Institutes of Health).

NM_001018005.2(TPM1):c.130G>A (p.Val44Met)

Gene: TPM1 (tropomyosin 1; plus strand). Cytogenetic location: 15q22.2.
Variant type: single nucleotide variant.
Coding change: c.130G>A on transcript NM_001018005.2 (MANE Select); coding-DNA position 130, G replaced by A.
Protein change: p.Val44Met; replaces valine 44 with methionine.
Molecular consequence: missense variant. On other transcripts: intron variant (3).
Genome position (GRCh38, 1-based): chr15:63,044,042, G>A. VCF-style: chr15-63044042-G-A. GRCh37 (hg19) VCF-style: chr15-63336241-G-A.
Other names: c.130G>A, p.Val44Met (NM_000366.6, NM_001407325.1, NM_001407326.1 and 10 more transcripts); c.240+211G>A (NM_001018020.2, NM_001018007.2, NM_001301244.2); c.256G>A, p.Val86Met (NM_001365778.1, NM_001407322.1, NM_001407323.1 and 1 more transcripts); short protein forms V86M, V44M.
Identifiers: ClinVar variation 1769632 (VCV001769632.3), dbSNP rs1406954948, ClinGen allele CA392718509.
Genomic context (GRCh38, chr15:63,044,042, plus strand): 5'-CTGCTGCACCCCCCTCCCTCCCTGTACCCCCTGGCCAACTCCCAGCTGGAAGATGAGCTG[G>A]TGTCACTGCAAAAGAAACTCAAGGGCACCGAAGATGAACTGGACAAATACTCTGAGGCTC-3'
Protein context (NP_001018005.1, residues 34-54): DRSKQLEDEL[Val44Met]SLQKKLKGTE